The following is an entry in ClinVar:

NM_000135.4(FANCA):c.3555G>A (p.Trp1185Ter)

Gene: FANCA (FA complementation group A; minus strand). Cytogenetic location: 16q24.3.
Variant type: single nucleotide variant.
Coding change: c.3555G>A on transcript NM_000135.4 (MANE Select); coding-DNA position 3555, G replaced by A.
Protein change: p.Trp1185Ter; replaces tryptophan 1185 with a stop codon.
Molecular consequence: nonsense.
Genome position (GRCh38, 1-based): chr16:89,745,030, C>T on the plus strand (G>A on the coding strand, the complement: FANCA is on the minus strand). VCF-style: chr16-89745030-C-T. GRCh37 (hg19) VCF-style: chr16-89811438-C-T.
Other names: c.3555G>A, p.Trp1185Ter (NM_001286167.3); c.3555G>A (NM_000135.3); short protein forms W1185*.
Identifiers: ClinVar variation 974058 (VCV000974058.7), dbSNP rs1185165443, ClinGen allele CA397485716.

ClinVar aggregate classification (germline): Pathogenic/Likely pathogenic. Review status: criteria provided, multiple submitters, no conflicts (2 of 4 stars). 3 submissions from 3 submitters: Pathogenic (1); Likely pathogenic (1). 1 of the submissions does not count toward it. Last evaluated 2024-04-12.

Conditions:
Fanconi anemia (FA). Also called: Fanconi's anemia. Identifiers: Orphanet 84, MedGen C0015625, MeSH D005199, MONDO:0019391.
Fanconi anemia complementation group A (FANCA). Also called: Fanconi anemia, group A; FANCA-Related Fanconi Anemia. Identifiers: Orphanet 84, MedGen C3469521, MONDO:0009215, OMIM 227650.

Allele frequency attached by ClinVar (database versions not stated): gnomAD exomes below 0.00001.
gnomAD v4.1: 1 of 1,610,236 alleles (0.000062%); highest among the groups gnomAD compares: South Asian, 0.0011%; no homozygotes.

Submissions (3):

Natera, Inc.
Classification: Likely pathogenic for Fanconi anemia. Last evaluated: 2024-04-12. Review status: criteria provided, single submitter. Criteria: Natera Variant Classification Schema (03/2026). Collection method: clinical testing. Allele origin: germline.
Comment: The c.3555G>A variant in FANCA is a nonsense variant predicted to introduce a stop codon at amino acid 1185. This variant is expected to result in nonsense mediated decay, truncation, or a dysfunctional protein product. This variant is rare in the general population with a frequency below the threshold expected for the associated phenotype(s). Given the available evidence, this variant is classified as Likely Pathogenic.

Labcorp Genetics (formerly Invitae), Labcorp
Classification: Pathogenic for Fanconi anemia. Last evaluated: 2022-11-28. Review status: criteria provided, single submitter. Criteria: Invitae Variant Classification Sherloc (09022015). Collection method: clinical testing. Allele origin: germline.
Comment: This sequence change creates a premature translational stop signal (p.Trp1185*) in the FANCA gene. It is expected to result in an absent or disrupted protein product. Loss-of-function variants in FANCA are known to be pathogenic (PMID: 19367192). The frequency data for this variant in the population databases is considered unreliable, as metrics indicate poor data quality at this position in the gnomAD database. This variant has not been reported in the literature in individuals affected with FANCA-related conditions. ClinVar contains an entry for this variant (Variation ID: 974058). For these reasons, this variant has been classified as Pathogenic.

Leiden Open Variation Database
Classification: Uncertain significance for Fanconi anemia complementation group A. Last evaluated: 2020-02-28. Review status: no assertion criteria provided. Collection method: curation. Allele origin: germline. Affected: yes. Not counted in ClinVar's aggregate classification.
Comment: Curator: Arleen D. Auerbach. Submitter to LOVD: Arleen D. Auerbach.

Literature cited by the submitters: PubMed 19367192 (cited by Labcorp Genetics (formerly Invitae), Labcorp).